The following is an entry in ClinVar:

NM_000660.7(TGFB1):c.394T>C (p.Tyr132His)

Gene: TGFB1 (transforming growth factor beta 1; minus strand). Cytogenetic location: 19q13.2.
Variant type: single nucleotide variant.
Coding change: c.394T>C on transcript NM_000660.7 (MANE Select); coding-DNA position 394, T replaced by C.
Protein change: p.Tyr132His; replaces tyrosine 132 with histidine.
Molecular consequence: missense variant.
Genome position (GRCh38, 1-based): chr19:41,348,417, A>G on the plus strand (T>C on the coding strand, the complement: TGFB1 is on the minus strand). VCF-style: chr19-41348417-A-G. GRCh37 (hg19) VCF-style: chr19-41854322-A-G.
Other names: short protein forms Y132H.
Identifiers: ClinVar variation 2130000 (VCV002130000.4), dbSNP rs2038142453, ClinGen allele CA406003749.
Genomic context (GRCh38, chr19:41,348,417, plus strand): 5'-GGGAGAGCAACACGGGTTCAGGTACCGCTTCTCGGAGCTCTGATGTGTTGAAGAACATAT[A>G]TATGCTGTGTGTACTCTGCTTGAACTTGTCATAGATTTCTAGCAGGGAGAAATGAAGGGA-3'
Protein context (NP_000651.3, residues 122-142): DKFKQSTHSI[Tyr132His]MFFNTSELRE

ClinVar aggregate classification (germline): Uncertain significance (1 of 4 stars; one submission).

Allele frequency attached by ClinVar (database versions not stated): gnomAD exomes below 0.00001; TOPMed below 0.00001.
gnomAD v4.1: 1 of 1,612,996 alleles (0.000062%); highest among the groups gnomAD compares: East Asian, 0.0022%; no homozygotes.

Submission:

Labcorp Genetics (formerly Invitae), Labcorp
Classification: Uncertain significance. Last evaluated: 2023-10-02. Review status: criteria provided, single submitter. Criteria: Invitae Variant Classification Sherloc (09022015). Collection method: clinical testing. Allele origin: germline.
Comment: This sequence change replaces tyrosine, which is neutral and polar, with histidine, which is basic and polar, at codon 132 of the TGFB1 protein (p.Tyr132His). This variant is not present in population databases (gnomAD no frequency). This variant has not been reported in the literature in individuals affected with TGFB1-related conditions. ClinVar contains an entry for this variant (Variation ID: 2130000). Advanced modeling of protein sequence and biophysical properties (such as structural, functional, and spatial information, amino acid conservation, physicochemical variation, residue mobility, and thermodynamic stability) performed at Invitae indicates that this missense variant is not expected to disrupt TGFB1 protein function. Algorithms developed to predict the effect of sequence changes on RNA splicing suggest that this variant may disrupt the consensus splice site. In summary, the available evidence is currently insufficient to determine the role of this variant in disease. Therefore, it has been classified as a Variant of Uncertain Significance.